The following is an entry in ClinVar:

ClinVar aggregate classification (germline): Conflicting classifications of pathogenicity. Review status: criteria provided, conflicting classifications (1 of 4 stars). 2 submissions from 2 submitters: Pathogenic (1); Uncertain significance (1). Last evaluated 2021-09-01.

Conditions:
Congenital microcephaly - severe encephalopathy - progressive cerebral atrophy syndrome. Also called: Asparagine synthetase deficiency; ASNS DEFICIENCY. Identifiers: Orphanet 391376, MedGen C3809971, MONDO:0014258, OMIM 615574.

Allele frequency attached by ClinVar (database versions not stated): gnomAD exomes below 0.00001.
gnomAD v4.1: 2 of 1,613,782 alleles (0.00012%); highest among the groups gnomAD compares: South Asian, 0.0011%; no homozygotes.

Submissions (2):

Labcorp Genetics (formerly Invitae), Labcorp
Classification: Uncertain significance. Last evaluated: 2021-09-01. Review status: criteria provided, single submitter. Criteria: Invitae Variant Classification Sherloc (09022015). Collection method: clinical testing. Allele origin: germline.
Comment: This sequence change replaces aspartic acid with valine at codon 138 of the ASNS protein (p.Asp138Val). The aspartic acid residue is highly conserved and there is a large physicochemical difference between aspartic acid and valine. This variant is not present in population databases (ExAC no frequency). This variant has not been reported in the literature in individuals affected with ASNS-related conditions. ClinVar contains an entry for this variant (Variation ID: 210338). Advanced modeling of protein sequence and biophysical properties (such as structural, functional, and spatial information, amino acid conservation, physicochemical variation, residue mobility, and thermodynamic stability) performed at Invitae indicates that this missense variant is expected to disrupt ASNS protein function. In summary, the available evidence is currently insufficient to determine the role of this variant in disease. Therefore, it has been classified as a Variant of Uncertain Significance.

Genetic Services Laboratory, University of Chicago
Classification: Pathogenic for Asparagine synthetase deficiency. Last evaluated: 2015-04-10. Review status: criteria provided, single submitter. Criteria: ACMG Guidelines, 2015. Collection method: clinical testing. Allele origin: germline. Affected: yes.

NM_001673.5(ASNS):c.413A>T (p.Asp138Val)

Genes: ASNS (asparagine synthetase (glutamine-hydrolyzing); minus strand), CZ1P-ASNS (CZ1P-ASNS readthrough; minus strand). Cytogenetic location: 7q21.3.
Variant type: single nucleotide variant.
Coding change: c.413A>T on transcript NM_001673.5 (MANE Select); coding-DNA position 413, A replaced by T.
Protein change: p.Asp138Val; replaces aspartic acid 138 with valine.
Molecular consequence: missense variant. On other transcripts: non-coding transcript variant (1).
Genome position (GRCh38, 1-based): chr7:97,864,333, T>A on the plus strand (A>T on the coding strand, the complement: ASNS is on the minus strand). VCF-style: chr7-97864333-T-A. GRCh37 (hg19) VCF-style: chr7-97493645-T-A.
Other names: c.413A>T, p.Asp138Val (NM_133436.3, NM_001352496.2, NM_183356.4); c.350A>T, p.Asp117Val (NM_001178075.2); c.164A>T, p.Asp55Val (NM_001178076.2, NM_001178077.1); short protein forms D138V, D55V, D117V.
Identifiers: ClinVar variation 210338 (VCV000210338.10), dbSNP rs797045306, ClinGen allele CA209491.